The following is an entry in ClinVar:

ClinVar aggregate classification (germline): Uncertain significance (1 of 4 stars; one submission).

Conditions:
Acrocallosal syndrome (ACLS). Also called: HALLUX DUPLICATION, POSTAXIAL POLYDACTYLY, AND ABSENCE OF CORPUS CALLOSUM; Schinzel syndrome 1; Absence of corpus callosum with unusual facial appearance, mental deficiency, duplication of the halluces and polydactyly. Identifiers: Orphanet 36, MedGen C0796147, MONDO:0008708, OMIM 200990.

Submission:

Labcorp Genetics (formerly Invitae), Labcorp
Classification: Uncertain significance for Acrocallosal syndrome. Last evaluated: 2022-02-23. Review status: criteria provided, single submitter. Criteria: Invitae Variant Classification Sherloc (09022015). Collection method: clinical testing. Allele origin: germline.
Comment: Algorithms developed to predict the effect of missense changes on protein structure and function output the following: SIFT: "Tolerated"; PolyPhen-2: "Benign"; Align-GVGD: "Class C0". The aspartic acid amino acid residue is found in multiple mammalian species, which suggests that this missense change does not adversely affect protein function. In summary, the available evidence is currently insufficient to determine the role of this variant in disease. Therefore, it has been classified as a Variant of Uncertain Significance. This variant has not been reported in the literature in individuals affected with KIF7-related conditions. This variant is not present in population databases (gnomAD no frequency). This sequence change replaces glycine, which is neutral and non-polar, with aspartic acid, which is acidic and polar, at codon 553 of the KIF7 protein (p.Gly553Asp).

NM_198525.3(KIF7):c.1658G>A (p.Gly553Asp)

Gene: KIF7 (kinesin family member 7; minus strand). Cytogenetic location: 15q26.1.
Variant type: single nucleotide variant.
Coding change: c.1658G>A on transcript NM_198525.3 (MANE Select); coding-DNA position 1658, G replaced by A.
Protein change: p.Gly553Asp; replaces glycine 553 with aspartic acid.
Molecular consequence: missense variant.
Genome position (GRCh38, 1-based): chr15:89,646,960, C>T on the plus strand (G>A on the coding strand, the complement: KIF7 is on the minus strand). VCF-style: chr15-89646960-C-T. GRCh37 (hg19) VCF-style: chr15-90190191-C-T.
Other names: short protein forms G553D.
Identifiers: ClinVar variation 1376034 (VCV001376034.6), dbSNP rs2142025004, ClinGen allele CA393767633.